The following is an entry in ClinVar:

ClinVar aggregate classification (germline): Uncertain significance. Review status: criteria provided, multiple submitters, no conflicts (2 of 4 stars). 3 submissions from 3 submitters: Uncertain significance (3). Last evaluated 2025-11-11.

Conditions:
Cardiovascular phenotype. Identifiers: MedGen CN230736.
Catecholaminergic polymorphic ventricular tachycardia 1. Also called: VENTRICULAR TACHYCARDIA, CATECHOLAMINERGIC POLYMORPHIC, 1, WITH OR WITHOUT ATRIAL DYSFUNCTION AND/OR DILATED CARDIOMYOPATHY; RYR2-Related Catecholaminergic Polymorphic Ventricular Tachycardia; VENTRICULAR TACHYCARDIA, STRESS-INDUCED POLYMORPHIC 1. Identifiers: Orphanet 3286, MedGen C1631597, MONDO:0011484, OMIM 604772.

Allele frequency attached by ClinVar (database versions not stated): TOPMed below 0.00001; gnomAD 0.00001.
gnomAD v4.1: 5 of 1,245,470 alleles (0.0004%); highest among the groups gnomAD compares: Non-Finnish European, 0.00054%; no homozygotes.

Submissions (3):

Labcorp Genetics (formerly Invitae), Labcorp
Classification: Uncertain significance for Catecholaminergic polymorphic ventricular tachycardia 1. Last evaluated: 2025-11-11. Review status: criteria provided, single submitter. Criteria: Invitae Variant Classification Sherloc (09022015). Collection method: clinical testing. Allele origin: germline.
Comment: This sequence change replaces lysine, which is basic and polar, with threonine, which is neutral and polar, at codon 161 of the TRDN protein (p.Lys161Thr). This variant is not present in population databases (gnomAD no frequency). This variant has not been reported in the literature in individuals affected with TRDN-related conditions. ClinVar contains an entry for this variant (Variation ID: 1057700). Experimental studies and prediction algorithms are not available or were not evaluated, and the functional significance of this variant is currently unknown. In summary, the available evidence is currently insufficient to determine the role of this variant in disease. Therefore, it has been classified as a Variant of Uncertain Significance.

Ambry Genetics
Classification: Uncertain significance for Cardiovascular phenotype. Last evaluated: 2025-05-15. Review status: criteria provided, single submitter. Criteria: Ambry Variant Classification Scheme 2023. Collection method: clinical testing. Allele origin: germline.
Comment: The p.K161T variant (also known as c.482A>C), located in coding exon 5 of the TRDN gene, results from an A to C substitution at nucleotide position 482. The lysine at codon 161 is replaced by threonine, an amino acid with similar properties. This amino acid position is highly conserved in available vertebrate species. In addition, this alteration is predicted to be tolerated by in silico analysis. Since supporting evidence is limited at this time, the clinical significance of this alteration remains unclear.

GeneDx
Classification: Uncertain significance. Last evaluated: 2024-12-17. Review status: criteria provided, single submitter. Criteria: GeneDx Variant Classification Process June 2021. Collection method: clinical testing. Allele origin: germline. Affected: yes.
Comment: Not observed at significant frequency in large population cohorts (gnomAD); In silico analysis supports that this missense variant has a deleterious effect on protein structure/function; Has not been previously published as pathogenic or benign to our knowledge

NM_006073.4(TRDN):c.482A>C (p.Lys161Thr)

Gene: TRDN (triadin; minus strand). Cytogenetic location: 6q22.31.
Variant type: single nucleotide variant.
Coding change: c.482A>C on transcript NM_006073.4 (MANE Select); coding-DNA position 482, A replaced by C.
Protein change: p.Lys161Thr; replaces lysine 161 with threonine.
Molecular consequence: missense variant.
Genome position (GRCh38, 1-based): chr6:123,530,508, T>G on the plus strand (A>C on the coding strand, the complement: TRDN is on the minus strand). VCF-style: chr6-123530508-T-G. GRCh37 (hg19) VCF-style: chr6-123851653-T-G.
Other names: c.482A>C, p.Lys161Thr (NM_001251987.2, NM_001256020.2, NM_001256021.2 and 1 more transcripts); c.482A>C (NM_006073.3); short protein forms K161T.
Identifiers: ClinVar variation 1057700 (VCV001057700.11), dbSNP rs886039003, ClinGen allele CA365568393.